The following is an entry in ClinVar:

NM_001389.5(DSCAM):c.2046C>G (p.Ser682Arg)

Gene: DSCAM (DS cell adhesion molecule; minus strand). Cytogenetic location: 21q22.2.
Variant type: single nucleotide variant.
Coding change: c.2046C>G on transcript NM_001389.5 (MANE Select); coding-DNA position 2046, C replaced by G.
Protein change: p.Ser682Arg; replaces serine 682 with arginine.
Molecular consequence: missense variant. On other transcripts: non-coding transcript variant (1).
Genome position (GRCh38, 1-based): chr21:40,312,097, G>C on the plus strand (C>G on the coding strand, the complement: DSCAM is on the minus strand). VCF-style: chr21-40312097-G-C. GRCh37 (hg19) VCF-style: chr21-41684024-G-C.
Other names: c.2046C>G, p.Ser682Arg (NM_001271534.3); short protein forms S682R.
Identifiers: ClinVar variation 1325514 (VCV001325514.2), dbSNP rs2074144975, ClinGen allele CA410595083.
Genomic context (GRCh38, chr21:40,312,097, plus strand): 5'-AATCAACTCTACAGATGCCACATGGCTCATGATCCTTTGCTCACCTCTGACAATCAACTG[G>C]CTTTGGTGCTCCACAGCGGCGGCCTCATTCCGGGCTATGCAGGTGTAATTCCCATTGTGC-3'
Protein context (NP_001380.2, residues 672-692): RNEAAAVEHQ[Ser682Arg]QLIVRVPPKF

ClinVar aggregate classification (germline): Uncertain significance. Review status: criteria provided, multiple submitters, no conflicts (2 of 4 stars). 2 submissions from 2 submitters: Uncertain significance (2). Last evaluated 2025-11-26.

Conditions:
Inborn genetic diseases. Identifiers: MedGen C0950123, MeSH D030342.

Allele frequency attached by ClinVar (database versions not stated): TOPMed 0.00001; gnomAD exomes below 0.00001.
gnomAD v4.1: 1 of 1,613,880 alleles (0.000062%); highest among the groups gnomAD compares: Non-Finnish European, 0.000085%; no homozygotes.

Submissions (2):

Ambry Genetics
Classification: Uncertain significance for Inborn genetic diseases. Last evaluated: 2025-11-26. Review status: criteria provided, single submitter. Criteria: Ambry Variant Classification Scheme 2023. Collection method: clinical testing. Allele origin: germline.

New York Genome Center
Classification: Uncertain significance. Last evaluated: 2020-06-11. Review status: criteria provided, single submitter. Criteria: NYGC Assertion Criteria 2020. Collection method: clinical testing. Allele origin: germline. Affected: yes. Observed: 1 heterozygote. Study: CSER-NYCKidSeq.
Comment: The heterozygous p.Ser682Arg variant identified in DSCAM has not been reported in the literature in individuals affected with DSCAM-associated disorder. The variant is absent from gnomAD indicating it’s an extremely rare allele in the general population. The variant affects a moderately conserved residue and different In Silico prediction tools show conflicting interpretations about potential pathogenicity of this variant. Based on the available evidence, the p.Ser682Arg variant in the DSCAM gene is assessed as a variant of uncertain significance.